The following is an entry in ClinVar:

ClinVar aggregate classification (germline): Uncertain significance (1 of 4 stars; one submission).

gnomAD v4.1: 3 of 1,614,032 alleles (0.00019%); highest among the groups gnomAD compares: African/African-American, 0.004%; no homozygotes.

Submission:

Labcorp Genetics (formerly Invitae), Labcorp
Classification: Uncertain significance. Last evaluated: 2022-07-19. Review status: criteria provided, single submitter. Criteria: Invitae Variant Classification Sherloc (09022015). Collection method: clinical testing. Allele origin: germline.
Comment: This sequence change replaces leucine, which is neutral and non-polar, with phenylalanine, which is neutral and non-polar, at codon 386 of the PDE6A protein (p.Leu386Phe). In summary, the available evidence is currently insufficient to determine the role of this variant in disease. Therefore, it has been classified as a Variant of Uncertain Significance. Algorithms developed to predict the effect of missense changes on protein structure and function are either unavailable or do not agree on the potential impact of this missense change (SIFT: "Tolerated"; PolyPhen-2: "Probably Damaging"; Align-GVGD: "Class C0"). ClinVar contains an entry for this variant (Variation ID: 1370571). This variant has not been reported in the literature in individuals affected with PDE6A-related conditions. This variant is not present in population databases (gnomAD no frequency).

NM_000440.3(PDE6A):c.1156C>T (p.Leu386Phe)

Gene: PDE6A (phosphodiesterase 6A; minus strand). Cytogenetic location: 5q32.
Variant type: single nucleotide variant.
Coding change: c.1156C>T on transcript NM_000440.3 (MANE Select); coding-DNA position 1156, C replaced by T.
Protein change: p.Leu386Phe; replaces leucine 386 with phenylalanine.
Molecular consequence: missense variant.
Genome position (GRCh38, 1-based): chr5:149,899,482, G>A on the plus strand (C>T on the coding strand, the complement: PDE6A is on the minus strand). VCF-style: chr5-149899482-G-A. GRCh37 (hg19) VCF-style: chr5-149279045-G-A.
Other names: short protein forms L386F.
Identifiers: ClinVar variation 1370571 (VCV001370571.6), dbSNP rs1247715440, ClinGen allele CA361697005.
Genomic context (GRCh38, chr5:149,899,482, plus strand): 5'-GATTGTAAAATGTGGCCACTCCAACAATTTCTTCCTTCTTGTTCACAATCGGCATTGAAA[G>A]CACATTTTTAATCATCCATCCAGACTCATCCAGAGGTTCTTTCTACAAGAGAAGGGCTAG-3'
Protein context (NP_000431.2, residues 376-396): DESGWMIKNV[Leu386Phe]SMPIVNKKEE